The following is an entry in ClinVar:

NM_001999.4(FBN2):c.6511+4C>A

Gene: FBN2 (fibrillin 2; minus strand). Cytogenetic location: 5q23.3.
Variant type: single nucleotide variant.
Coding change: c.6511+4C>A on transcript NM_001999.4 (MANE Select); 4 bases into the intron after coding-DNA position 6511, C replaced by A.
Molecular consequence: intron variant.
Genome position (GRCh38, 1-based): chr5:128,289,878, G>T on the plus strand (C>A on the coding strand, the complement: FBN2 is on the minus strand). VCF-style: chr5-128289878-G-T. GRCh37 (hg19) VCF-style: chr5-127625570-G-T.
Identifiers: ClinVar variation 1371503 (VCV001371503.6), dbSNP rs368610241, ClinGen allele CA562715295.

ClinVar aggregate classification (germline): Uncertain significance (1 of 4 stars; one submission).

Conditions:
Congenital contractural arachnodactyly (CCA). Also called: Beals-Hecht syndrome; BEALS SYNDROME; Arthrogryposis, distal, type 9. Identifiers: Orphanet 115, MedGen C0220668, MONDO:0007363, OMIM 121050.

gnomAD v4.1: 34 of 1,539,658 alleles (0.0022%); highest among the groups gnomAD compares: Non-Finnish European, 0.0029%; no homozygotes.

Submission:

Labcorp Genetics (formerly Invitae), Labcorp
Classification: Uncertain significance for Congenital contractural arachnodactyly. Last evaluated: 2024-11-10. Review status: criteria provided, single submitter. Criteria: Invitae Variant Classification Sherloc (09022015). Collection method: clinical testing. Allele origin: germline.
Comment: This sequence change falls in intron 51 of the FBN2 gene. It does not directly change the encoded amino acid sequence of the FBN2 protein. It affects a nucleotide within the consensus splice site. This variant is present in population databases (no rsID available, gnomAD 0.0009%). This variant has not been reported in the literature in individuals affected with FBN2-related conditions. ClinVar contains an entry for this variant (Variation ID: 1371503). Variants that disrupt the consensus splice site are a relatively common cause of aberrant splicing (PMID: 17576681, 9536098). Algorithms developed to predict the effect of sequence changes on RNA splicing suggest that this variant is not likely to affect RNA splicing. In summary, the available evidence is currently insufficient to determine the role of this variant in disease. Therefore, it has been classified as a Variant of Uncertain Significance.

Literature cited by the submitters: PubMed 17576681; PubMed 9536098.